The following is an entry in ClinVar:

NM_000051.4(ATM):c.2551del (p.Asp851fs)

Gene: ATM (ATM serine/threonine kinase; plus strand). Cytogenetic location: 11q22.3.
Variant type: Deletion.
Coding change: c.2551del on transcript NM_000051.4 (MANE Select); coding-DNA position 2551, one base deleted (G; older notation c.2551delG).
Protein change: p.Asp851fs; shifts the reading frame from aspartic acid 851.
Molecular consequence: frameshift variant.
Genome position (GRCh38, 1-based): chr11:108,267,255, G deleted; the last of 2 consecutive G bases (chr11:108,267,254-108,267,255); deleting either gives the same sequence. VCF-style (leftmost placement, unchanged base first): chr11-108267253-AG-A. GRCh37 (hg19) VCF-style: chr11-108137980-AG-A.
Other names: c.2551del, p.Asp851fs (NM_001351834.2); short protein forms D851fs.
Identifiers: ClinVar variation 3148143 (VCV003148143.1), dbSNP rs2497594487, ClinGen allele CA2615854098.

ClinVar aggregate classification (germline): Pathogenic (1 of 4 stars; one submission).

Conditions:
Familial cancer of breast. Also called: BREAST CANCER, FAMILIAL; Hereditary breast cancer; hereditary breast carcinoma. Identifiers: Orphanet 227535, MedGen C0346153, MONDO:0016419, OMIM 114480. Disease mechanism: loss of function.

Submission:

Myriad Genetics, Inc.
Classification: Pathogenic for Familial cancer of breast. Last evaluated: 2024-01-18. Review status: criteria provided, single submitter. Criteria: Myriad Autosomal Dominant, Autosomal Recessive and X-Linked Classification Criteria (2023). Collection method: clinical testing. Allele origin: unknown.
Comment: This variant is considered pathogenic. This variant creates a frameshift predicted to result in premature protein truncation.